The following is an entry in ClinVar:

ClinVar aggregate classification (germline): Likely benign. Review status: criteria provided, multiple submitters, no conflicts (2 of 4 stars). 2 submissions from 2 submitters: Likely benign (2). Last evaluated 2025-07-07.

Conditions:
Hereditary diffuse gastric adenocarcinoma (HDGC). Also called: DIFFUSE GASTRIC AND LOBULAR BREAST CANCER SYNDROME. Identifiers: Orphanet 26106, MedGen C1708349, MONDO:0007648, OMIM 137215.

Submissions (2):

Labcorp Genetics (formerly Invitae), Labcorp
Classification: Likely benign for Hereditary diffuse gastric adenocarcinoma. Last evaluated: 2025-07-07. Review status: criteria provided, single submitter. Criteria: Invitae Variant Classification Sherloc (09022015). Collection method: clinical testing. Allele origin: germline.

Myriad Genetics, Inc.
Classification: Likely benign for Hereditary diffuse gastric adenocarcinoma. Last evaluated: 2024-09-11. Review status: criteria provided, single submitter. Criteria: Myriad Autosomal Dominant, Autosomal Recessive and X-Linked Classification Criteria (2023). Collection method: clinical testing. Allele origin: unknown.
Comment: This variant is considered likely benign. This variant is intronic and is not expected to impact mRNA splicing.

NM_004360.5(CDH1):c.49-6C>T

Gene: CDH1 (cadherin 1; plus strand). Cytogenetic location: 16q22.1.
Variant type: single nucleotide variant.
Coding change: c.49-6C>T on transcript NM_004360.5 (MANE Select); 6 bases into the intron before coding-DNA position 49, C replaced by T.
Molecular consequence: intron variant.
Genome position (GRCh38, 1-based): chr16:68,738,291, C>T. VCF-style: chr16-68738291-C-T. GRCh37 (hg19) VCF-style: chr16-68772194-C-T.
Other names: c.-1567-6C>T (NM_001317185.2); c.-1771-6C>T (NM_001317186.2); c.49-6C>T (NM_001317184.2).
Identifiers: ClinVar variation 1557469 (VCV001557469.9), dbSNP rs1353157721, ClinGen allele CA2573152516.